The following is an entry in ClinVar:

ClinVar aggregate classification (germline): Pathogenic (1 of 4 stars; one submission).

Conditions:
RASopathy. Also called: rasopathies; Noonan spectrum disorder. Identifiers: Orphanet 536391, MedGen C5555857, MONDO:0021060.

Submission:

GeneDx
Classification: Pathogenic for Rasopathy. Review status: criteria provided, single submitter. Criteria: GeneDx Variant Classification (06012015). Collection method: clinical testing. Allele origin: unknown.
Comment: The c.1227+2_c.1227+4delinsAAG mutation has not been reported as a disease-causing mutation or as a benign polymorphism. This mutation is predicted to destroy the canonical splice donor site of intron 8 in the CBL gene. Splicing mutations in CBL in the homozygous state due to uniparental disomy or somatic loss of heterozygousity (LOH) have been reported in association with juvenile myelomonocytic leukemia (JMML) (Loh et al., 2009).
ClinVar note: Converted during submission from MUT to Pathogenic.

NM_005188.4(CBL):c.1227+2_1227+4delinsAAG

Gene: CBL (Cbl proto-oncogene; plus strand). Cytogenetic location: 11q23.3.
Variant type: Indel.
Coding change: c.1227+2_1227+4delinsAAG on transcript NM_005188.4 (MANE Select); the canonical splice donor site of the intron after coding-DNA position 1227 through 4 bases into the intron after coding-DNA position 1227, TAC replaced by AAG.
Molecular consequence: splice donor variant.
Genome position (GRCh38, 1-based): chr11:119,278,299-119,278,301, TAC replaced by AAG. VCF-style: chr11-119278299-TAC-AAG. GRCh37 (hg19) VCF-style: chr11-119149009-TAC-AAG.
Other names: c.1227+2_1227+4delTACinsAAG (NM_005188.3).
Identifiers: ClinVar variation 40407 (VCV000040407.2), dbSNP rs397507493, ClinGen allele CA282027.